The following is an entry in ClinVar:

NM_001851.6(COL9A1):c.1366C>T (p.Leu456Phe)

Gene: COL9A1 (collagen type IX alpha 1 chain; minus strand). Cytogenetic location: 6q13.
Variant type: single nucleotide variant.
Coding change: c.1366C>T on transcript NM_001851.6 (MANE Select); coding-DNA position 1366, C replaced by T.
Protein change: p.Leu456Phe; replaces leucine 456 with phenylalanine.
Molecular consequence: missense variant. On other transcripts: non-coding transcript variant (1).
Genome position (GRCh38, 1-based): chr6:70,263,273, G>A on the plus strand (C>T on the coding strand, the complement: COL9A1 is on the minus strand). VCF-style: chr6-70263273-G-A. GRCh37 (hg19) VCF-style: chr6-70972976-G-A.
Other names: c.637C>T, p.Leu213Phe (NM_001377289.1, NM_001377290.1, NM_078485.4); short protein forms L213F, L456F.
Identifiers: ClinVar variation 1482710 (VCV001482710.3), dbSNP rs751839615, ClinGen allele CA3882257.

ClinVar aggregate classification (germline): Uncertain significance (1 of 4 stars; one submission).

Allele frequency attached by ClinVar (database versions not stated): gnomAD 0.00001; TOPMed 0.00001; ExAC 0.00002; gnomAD exomes 0.00002.
gnomAD v4.1: 33 of 1,609,038 alleles (0.0021%); highest among the groups gnomAD compares: South Asian, 0.02%; no homozygotes.

Submission:

Labcorp Genetics (formerly Invitae), Labcorp
Classification: Uncertain significance. Last evaluated: 2022-10-05. Review status: criteria provided, single submitter. Criteria: Invitae Variant Classification Sherloc (09022015). Collection method: clinical testing. Allele origin: germline.
Comment: This sequence change replaces leucine, which is neutral and non-polar, with phenylalanine, which is neutral and non-polar, at codon 456 of the COL9A1 protein (p.Leu456Phe). This variant is present in population databases (rs751839615, gnomAD 0.02%). This variant has not been reported in the literature in individuals affected with COL9A1-related conditions. ClinVar contains an entry for this variant (Variation ID: 1482710). Advanced modeling of protein sequence and biophysical properties (such as structural, functional, and spatial information, amino acid conservation, physicochemical variation, residue mobility, and thermodynamic stability) performed at Invitae indicates that this missense variant is not expected to disrupt COL9A1 protein function. In summary, the available evidence is currently insufficient to determine the role of this variant in disease. Therefore, it has been classified as a Variant of Uncertain Significance.